The following is an entry in ClinVar:

ClinVar aggregate classification (germline): Uncertain significance. Review status: criteria provided, multiple submitters, no conflicts (2 of 4 stars). 3 submissions from 3 submitters: Uncertain significance (3). Last evaluated 2026-09-21.

Conditions:
ANKS6-related disorder. Also called: ANKS6-related condition.
Nephronophthisis 16 (NPHP16). Identifiers: Orphanet 655, MedGen C3809320, MONDO:0014158, OMIM 615382.

Allele frequency attached by ClinVar (database versions not stated): gnomAD exomes 0.00001 and 0.00003; TOPMed 0.00001; ExAC 0.00003; gnomAD 0.00003.
gnomAD v4.1: 23 of 1,614,132 alleles (0.0014%); highest among the groups gnomAD compares: East Asian, 0.0089%; no homozygotes.

Submissions (3):

PreventionGenetics, part of Exact Sciences
Classification: Uncertain significance for ANKS6-related condition. Last evaluated: 2026-09-21. Review status: criteria provided, single submitter. Criteria: ACMG Guidelines, 2015. Collection method: clinical testing. Allele origin: germline.
Comment: The ANKS6 c.1421C>T variant is predicted to result in the amino acid substitution p.Thr474Met. To our knowledge, this variant has not been reported in the literature. This variant is reported in 0.026% of alleles in individuals of East Asian descent in gnomAD. At this time, the clinical significance of this variant is uncertain due to the absence of conclusive functional and genetic evidence.

Fulgent Genetics
Classification: Uncertain significance for Nephronophthisis 16. Last evaluated: 2024-02-06. Review status: criteria provided, single submitter. Criteria: ACMG Guidelines, 2015. Collection method: clinical testing. Allele origin: germline.

Labcorp Genetics (formerly Invitae), Labcorp
Classification: Uncertain significance for Nephronophthisis 16. Last evaluated: 2024-01-02. Review status: criteria provided, single submitter. Criteria: Invitae Variant Classification Sherloc (09022015). Collection method: clinical testing. Allele origin: germline.
Comment: This sequence change replaces threonine, which is neutral and polar, with methionine, which is neutral and non-polar, at codon 474 of the ANKS6 protein (p.Thr474Met). This variant is present in population databases (rs765655284, gnomAD 0.03%). This variant has not been reported in the literature in individuals affected with ANKS6-related conditions. ClinVar contains an entry for this variant (Variation ID: 843092). An algorithm developed to predict the effect of missense changes on protein structure and function (PolyPhen-2) suggests that this variant is likely to be disruptive. In summary, the available evidence is currently insufficient to determine the role of this variant in disease. Therefore, it has been classified as a Variant of Uncertain Significance.

NM_173551.5(ANKS6):c.1421C>T (p.Thr474Met)

Gene: ANKS6 (ankyrin repeat and sterile alpha motif domain containing 6; minus strand). Cytogenetic location: 9q22.33.
Variant type: single nucleotide variant.
Coding change: c.1421C>T on transcript NM_173551.5 (MANE Select); coding-DNA position 1421, C replaced by T.
Protein change: p.Thr474Met; replaces threonine 474 with methionine.
Molecular consequence: missense variant.
Genome position (GRCh38, 1-based): chr9:98,778,372, G>A on the plus strand (C>T on the coding strand, the complement: ANKS6 is on the minus strand). VCF-style: chr9-98778372-G-A. GRCh37 (hg19) VCF-style: chr9-101540654-G-A.
Other names: short protein forms T474M.
Identifiers: ClinVar variation 843092 (VCV000843092.12), dbSNP rs765655284, ClinGen allele CA5153503.